The following is an entry in ClinVar:

ClinVar aggregate classification (germline): Uncertain significance. Review status: criteria provided, multiple submitters, no conflicts (2 of 4 stars). 2 submissions from 2 submitters: Uncertain significance (2). Last evaluated 2025-02-11.

Conditions:
IL6ST-related disorder. Also called: IL6ST-related condition.

Allele frequency attached by ClinVar (database versions not stated): gnomAD exomes 0.00001; TOPMed 0.00001; ExAC 0.00002; gnomAD 0.00002 and 0.00003; ESP Exome Variant Server 0.00008.
gnomAD v4.1: 14 of 1,612,684 alleles (0.00087%); highest among the groups gnomAD compares: Admixed American, 0.0033%; no homozygotes.

Submissions (2):

PreventionGenetics, part of Exact Sciences
Classification: Uncertain significance for IL6ST-related condition. Last evaluated: 2025-02-11. Review status: criteria provided, single submitter. Criteria: ACMG Guidelines, 2015. Collection method: clinical testing. Allele origin: germline.
Comment: The IL6ST c.1246A>G variant is predicted to result in the amino acid substitution p.Ile416Val. To our knowledge, this variant has not been reported in the literature. This variant is reported in 0.0028% of alleles in individuals of Latino descent in gnomAD. At this time, the clinical significance of this variant is uncertain due to the absence of conclusive functional and genetic evidence.

Labcorp Genetics (formerly Invitae), Labcorp
Classification: Uncertain significance. Last evaluated: 2024-02-19. Review status: criteria provided, single submitter. Criteria: Invitae Variant Classification Sherloc (09022015). Collection method: clinical testing. Allele origin: germline.
Comment: This sequence change replaces isoleucine, which is neutral and non-polar, with valine, which is neutral and non-polar, at codon 416 of the IL6ST protein (p.Ile416Val). The frequency data for this variant in the population databases is considered unreliable, as metrics indicate poor data quality at this position in the gnomAD database. This variant has not been reported in the literature in individuals affected with IL6ST-related conditions. ClinVar contains an entry for this variant (Variation ID: 1499221). Algorithms developed to predict the effect of missense changes on protein structure and function output the following: SIFT: "Not Available"; PolyPhen-2: "Benign"; Align-GVGD: "Not Available". The valine amino acid residue is found in multiple mammalian species, which suggests that this missense change does not adversely affect protein function. In summary, the available evidence is currently insufficient to determine the role of this variant in disease. Therefore, it has been classified as a Variant of Uncertain Significance.

NM_002184.4(IL6ST):c.1246A>G (p.Ile416Val)

Gene: IL6ST (interleukin 6 cytokine family signal transducer; minus strand). Cytogenetic location: 5q11.2.
Variant type: single nucleotide variant.
Coding change: c.1246A>G on transcript NM_002184.4 (MANE Select); coding-DNA position 1246, A replaced by G.
Protein change: p.Ile416Val; replaces isoleucine 416 with valine.
Molecular consequence: missense variant. On other transcripts: 3 prime UTR variant (1), non-coding transcript variant (2).
Genome position (GRCh38, 1-based): chr5:55,956,046, T>C on the plus strand (A>G on the coding strand, the complement: IL6ST is on the minus strand). VCF-style: chr5-55956046-T-C. GRCh37 (hg19) VCF-style: chr5-55251874-T-C.
Other names: c.1246A>G, p.Ile416Val (NM_001190981.2, NM_001364275.2); c.1036A>G, p.Ile346Val (NM_001364276.2); c.379A>G, p.Ile127Val (NM_001364277.2); c.343A>G, p.Ile115Val (NM_001364278.2); c.250A>G, p.Ile84Val (NM_001364279.2); c.*173A>G (NM_175767.3); c.1246A>G (NM_002184.3); short protein forms I346V, I127V, I416V, I84V, I115V.
Identifiers: ClinVar variation 1499221 (VCV001499221.9), dbSNP rs61755737, ClinGen allele CA3271471.